The following is an entry in ClinVar:

NM_002693.3(POLG):c.152_153insACA (p.Gln55dup)

Genes: POLGARF (POLG alternative reading frame; minus strand), POLG (DNA polymerase gamma, catalytic subunit; minus strand). Cytogenetic location: 15q26.1.
Variant type: Insertion.
Coding change: c.152_153insACA on transcript NM_002693.3 (MANE Select); coding-DNA positions 152 to 153, ACA inserted.
Protein change: p.Gln55dup; duplicates glutamine 55.
Molecular consequence: inframe insertion.
Genome position: GRCh38 VCF-style: chr15-89333602-C-CTGT. GRCh37 (hg19) VCF-style: chr15-89876833-C-CTGT.
Other names: c.152_153insACA, p.Gln55dup (NM_001126131.2).
Identifiers: ClinVar variation 1056216 (VCV001056216.8), dbSNP rs1466061893, ClinGen allele CA619857520.

ClinVar aggregate classification (germline): Uncertain significance (1 of 4 stars; one submission).

Conditions:
Progressive sclerosing poliodystrophy (MTDPS4A). Also called: NEURONAL DEGENERATION OF CHILDHOOD WITH LIVER DISEASE, PROGRESSIVE; Alpers-Huttenlocher Syndrome (AHS); ALPERS PROGRESSIVE INFANTILE POLIODYSTROPHY; Mitochondrial DNA Depletion Syndrome 4A; Alpers Syndrome; ALPERS DIFFUSE DEGENERATION OF CEREBRAL GRAY MATTER WITH HEPATIC CIRRHOSIS. Identifiers: Orphanet 726, MedGen C0205710, MONDO:0008758, OMIM 203700.

Submission:

Labcorp Genetics (formerly Invitae), Labcorp
Classification: Uncertain significance for Progressive sclerosing poliodystrophy. Last evaluated: 2024-03-20. Review status: criteria provided, single submitter. Criteria: Invitae Variant Classification Sherloc (09022015). Collection method: clinical testing. Allele origin: germline.
Comment: This variant, c.152_153insACA, results in the insertion of 1 amino acid(s) of the POLG protein (p.Gln55dup), but otherwise preserves the integrity of the reading frame. The frequency data for this variant in the population databases is considered unreliable, as metrics indicate poor data quality at this position in the gnomAD database. This variant has been observed in individual(s) with epileptic encephalopathy (PMID: 29190809). ClinVar contains an entry for this variant (Variation ID: 1056216). Experimental studies and prediction algorithms are not available or were not evaluated, and the functional significance of this variant is currently unknown. In summary, the available evidence is currently insufficient to determine the role of this variant in disease. Therefore, it has been classified as a Variant of Uncertain Significance.

Literature cited by the submitters: PubMed 29190809.